The following is an entry in ClinVar:

NM_021098.3(CACNA1H):c.3110A>G (p.His1037Arg)

Gene: CACNA1H (calcium voltage-gated channel subunit alpha1 H; plus strand). Cytogenetic location: 16p13.3.
Variant type: single nucleotide variant.
Coding change: c.3110A>G on transcript NM_021098.3 (MANE Select); coding-DNA position 3110, A replaced by G.
Protein change: p.His1037Arg; replaces histidine 1037 with arginine.
Molecular consequence: missense variant.
Genome position (GRCh38, 1-based): chr16:1,207,816, A>G. VCF-style: chr16-1207816-A-G. GRCh37 (hg19) VCF-style: chr16-1257816-A-G.
Other names: c.3110A>G, p.His1037Arg (NM_001005407.2); short protein forms H1037R.
Identifiers: ClinVar variation 638988 (VCV000638988.13), dbSNP rs752799249, ClinGen allele CA7800614.

ClinVar aggregate classification (germline): Conflicting classifications of pathogenicity. Review status: criteria provided, conflicting classifications (1 of 4 stars). 4 submissions from 4 submitters: Uncertain significance (1); Benign (1); Likely benign (2). Last evaluated 2025-03-31.

Conditions:
Hyperaldosteronism, familial, type IV (HALD4). Also called: FH IV; ALDOSTERONISM, PRIMARY, AND HYPERTENSION. Identifiers: Orphanet 642671, MedGen C4310756, MONDO:0014875, OMIM 617027.
Idiopathic generalized epilepsy. Also called: EIG; Generalised epilepsy. Identifiers: MedGen C0270850, MONDO:0005579, OMIM 600669.
Epilepsy, childhood absence, susceptibility to, 6. Identifiers: Orphanet 64280, MedGen C2749872, MONDO:0012763, OMIM 611942.

Allele frequency attached by ClinVar (database versions not stated): TOPMed 0.00003; gnomAD 0.00005 and 0.00006; ExAC 0.00006.
gnomAD v4.1: 54 of 1,602,696 alleles (0.0034%); highest among the groups gnomAD compares: Admixed American, 0.017%; no homozygotes.

Submissions (4):

Labcorp Genetics (formerly Invitae), Labcorp
Classification: Benign for Idiopathic generalized epilepsy; Hyperaldosteronism, familial, type IV. Last evaluated: 2025-03-31. Review status: criteria provided, single submitter. Criteria: Invitae Variant Classification Sherloc (09022015). Collection method: clinical testing. Allele origin: germline.

Athena Diagnostics
Classification: Likely benign. Last evaluated: 2025-02-10. Review status: criteria provided, single submitter. Criteria: Athena Diagnostics Criteria. Collection method: clinical testing. Allele origin: unknown.
Comment: The frequency of this variant in the general population is higher than would generally be expected for pathogenic variants in this gene. Computational tools predict this amino acid change may be benign.

Blueprint Genetics
Classification: Likely benign. Last evaluated: 2024-09-25. Review status: criteria provided, single submitter. Criteria: ACMG Guidelines, 2015. Collection method: clinical testing. Allele origin: germline.

Fulgent Genetics
Classification: Uncertain significance for Epilepsy, childhood absence, susceptibility to, 6; Hyperaldosteronism, familial, type IV. Last evaluated: 2024-04-22. Review status: criteria provided, single submitter. Criteria: ACMG Guidelines, 2015. Collection method: clinical testing. Allele origin: germline.

Literature cited by the submitters: PubMed 29948376 (cited by Athena Diagnostics); PubMed 31440721 (cited by Athena Diagnostics).